The following is an entry in ClinVar:

NM_000492.4(CFTR):c.1505T>C (p.Ile502Thr)

Genes: CFTR-AS1 (CFTR antisense RNA 1; minus strand), CFTR (CF transmembrane conductance regulator; plus strand). Cytogenetic location: 7q31.2.
Variant type: single nucleotide variant.
Coding change: c.1505T>C on transcript NM_000492.4 (MANE Select); coding-DNA position 1505, T replaced by C.
Protein change: p.Ile502Thr; replaces isoleucine 502 with threonine.
Molecular consequence: missense variant.
Genome position (GRCh38, 1-based): chr7:117,559,576, T>C. VCF-style: chr7-117559576-T-C. GRCh37 (hg19) VCF-style: chr7-117199630-T-C.
Other names: short protein forms I502T.
Identifiers: ClinVar variation 53272 (VCV000053272.18), dbSNP rs397508222, ClinGen allele CA326514.

ClinVar aggregate classification (germline): Pathogenic. Review status: reviewed by expert panel (3 of 4 stars). 9 submissions from 9 submitters: Pathogenic (1). 8 of the submissions do not count toward it. Last evaluated 2018-08-31.

Conditions:
CFTR-related disorder (CFTR-RD). Also called: CFTR-related disorders; CFTR-related condition. Identifiers: MedGen C5924204, MONDO:7770004.
Cystic fibrosis (CF). Also called: MUCOVISCIDOSIS. Identifiers: Orphanet 586, MedGen C0010674, MONDO:0009061, OMIM 219700. Disease mechanism: loss of function.
Bronchiectasis with or without elevated sweat chloride 1 (BESC1). Also called: Cystic Fibrosis-Like Syndrome. Identifiers: Orphanet 60033, MedGen C2749757, MONDO:0008887, OMIM 211400.

Allele frequency attached by ClinVar (database versions not stated): gnomAD exomes below 0.00001 and 0.00001; 1000 Genomes Project 30x 0.00031; 1000 Genomes Project 0.00020; gnomAD 0.00001; ExAC 0.00002.
gnomAD v4.1: 4 of 1,612,704 alleles (0.00025%); highest among the groups gnomAD compares: South Asian, 0.0022%; no homozygotes.

Submissions (9):

CFTR2
Classification: Pathogenic for Cystic fibrosis. Last evaluated: 2018-08-31. Review status: reviewed by expert panel. Criteria: Sosnay PR et al. (Nat Genet 2013). Collection method: research. Allele origin: germline. Affected: yes.

Women's Health and Genetics/Laboratory Corporation of America, LabCorp
Classification: Pathogenic for Cystic fibrosis. Last evaluated: 2026-02-02. Review status: criteria provided, single submitter. Criteria: LabCorp Variant Classification Summary - May 2015. Collection method: clinical testing. Allele origin: germline. Not counted in ClinVar's aggregate classification.
Comment: Variant summary: CFTR c.1505T>C (p.Ile502Thr) results in a non-conservative amino acid change in the encoded protein sequence. Algorithms developed to predict the effect of missense changes on protein structure and function all suggest that this variant is likely to be disruptive. The variant allele was found at a frequency of 8e-06 in 251294 control chromosomes. c.1505T>C has been observed in multiple individuals affected with Cystic Fibrosis (e.g. Castaldo_2005). These data indicate that the variant is very likely to be associated with disease. At least one publication reports experimental evidence evaluating an impact on protein function. The most pronounced variant effect results in <10% of normal activity (Bihler_2024). The following publications have been ascertained in the context of this evaluation (PMID: 15638824, 38388235). ClinVar contains an entry for this variant (Variation ID: 53272). Based on the evidence outlined above, the variant was classified as pathogenic.

Genomic Medicine Center of Excellence, King Faisal Specialist Hospital and Research Centre
Classification: Pathogenic for Cystic fibrosis. Last evaluated: 2024-12-18. Review status: criteria provided, single submitter. Criteria: ACMG Guidelines, 2015. Collection method: clinical testing. Allele origin: germline. Not counted in ClinVar's aggregate classification.

Natera, Inc.
Classification: Likely pathogenic for CFTR-related disorders. Last evaluated: 2024-11-22. Review status: criteria provided, single submitter. Criteria: Natera Variant Classification Schema (03/2026). Collection method: clinical testing. Allele origin: germline. Not counted in ClinVar's aggregate classification.
Comment: The c.1505T>C variant in CFTR is a missense variant predicted to cause substitution of isoleucine to threonine at amino acid 502. This variant is rare in the general population with a frequency below the threshold expected for the associated phenotype(s). This variant has been observed in one or more individuals affected with the associated recessive disease, as either homozygous or compound heterozygous with a second variant (PMID: 30888834, 34782259, 35258175, 35732550). Functional studies show that this variant may disrupt protein function (PMID: 38388235). Computational prediction algorithms indicate this variant is likely to affect gene or protein function. Given the available evidence, this variant is classified as Likely Pathogenic.

Baylor Genetics
Classification: Pathogenic for Bronchiectasis with or without elevated sweat chloride 1. Last evaluated: 2023-06-20. Review status: criteria provided, single submitter. Criteria: ACMG Guidelines, 2015. Collection method: clinical testing. Allele origin: unknown. Not counted in ClinVar's aggregate classification.

Johns Hopkins Genomics, Johns Hopkins University
Classification: Pathogenic for Cystic fibrosis. Last evaluated: 2022-06-15. Review status: criteria provided, single submitter. Criteria: ACMG Guidelines, 2015. Collection method: clinical testing. Allele origin: germline. Not counted in ClinVar's aggregate classification.
Comment: Disease-causing CFTR variant. See CFTR2 for phenotype information.

Labcorp Genetics (formerly Invitae), Labcorp
Classification: Uncertain significance for Cystic fibrosis. Last evaluated: 2020-10-30. Review status: criteria provided, single submitter. Criteria: Invitae Variant Classification Sherloc (09022015). Collection method: clinical testing. Allele origin: germline. Not counted in ClinVar's aggregate classification.
Comment: In summary, the available evidence is currently insufficient to determine the role of this variant in disease. Therefore, it has been classified as a Variant of Uncertain Significance. Algorithms developed to predict the effect of missense changes on protein structure and function (SIFT, PolyPhen-2, Align-GVGD) all suggest that this variant is likely to be disruptive, but these predictions have not been confirmed by published functional studies and their clinical significance is uncertain. This variant has been observed in individual(s) with clinical features of cystic fibrosis (PMID: 26911355, 15638824). ClinVar contains an entry for this variant (Variation ID: 53272). This variant is present in population databases (rs397508222, ExAC 0.006%). This sequence change replaces isoleucine with threonine at codon 502 of the CFTR protein (p.Ile502Thr). The isoleucine residue is highly conserved and there is a moderate physicochemical difference between isoleucine and threonine.

Ambry Genetics
Classification: Pathogenic for Cystic fibrosis. Last evaluated: 2016-04-29. Review status: criteria provided, single submitter. Criteria: Ambry Variant Classification Scheme 2023. Collection method: clinical testing. Allele origin: germline. Not counted in ClinVar's aggregate classification.
Comment: The p.I502T pathogenic mutation (also known as c.1505T>C and 1637T>C), located in coding exon 11 of the CFTR gene, results from a T to C substitution at nucleotide position 1505. The isoleucine at codon 502 is replaced by threonine, an amino acid with similar properties. This mutation was first detected in 8 alleles of Italian individuals with cystic fibrosis (CF) and elevated sweat chloride levels; however, specific genotype information was not provided (Castaldo G, Ann. Hum. Genet. 2005 Jan; 69(Pt 1):15-24). In addition, elevated sweat chloride levels were observed in six individuals with CF and a known pathogenic mutation on the the other allele (Masica DL, Hum. Mol. Genet. 2015 Apr; 24(7):1908-17). Based on the supporting evidence, p.I502T is interpreted as a disease-causing mutation.

ClinVar Staff, National Center for Biotechnology Information (NCBI)
No classification provided. Condition: CFTR-related disorders. Review status: no classification provided. Collection method: literature only. Allele origin: germline. Affected: yes. Not counted in ClinVar's aggregate classification.

Literature cited by the submitters: PubMed 15638824 (cited by 4 submitters); PubMed 38388235 (cited by Women's Health and Genetics/Laboratory Corporation of America, LabCorp and Natera, Inc.); PubMed 30888834 (cited by Natera, Inc.); PubMed 34782259 (cited by Natera, Inc.); PubMed 35258175 (cited by Natera, Inc.); PubMed 35732550 (cited by Natera, Inc.); PubMed 26911355 (cited by Labcorp Genetics (formerly Invitae), Labcorp); PubMed 25489051 (cited by Ambry Genetics).